The following is an entry in ClinVar:

NM_001370259.2(MEN1):c.979T>G (p.Tyr327Asp)

Gene: MEN1 (menin 1; minus strand). Cytogenetic location: 11q13.1.
Variant type: single nucleotide variant.
Coding change: c.979T>G on transcript NM_001370259.2 (MANE Select); coding-DNA position 979, T replaced by G.
Protein change: p.Tyr327Asp; replaces tyrosine 327 with aspartic acid.
Molecular consequence: missense variant.
Genome position (GRCh38, 1-based): chr11:64,806,302, A>C on the plus strand (T>G on the coding strand, the complement: MEN1 is on the minus strand). VCF-style: chr11-64806302-A-C. GRCh37 (hg19) VCF-style: chr11-64573774-A-C.
Other names: c.994T>G, p.Tyr332Asp (NM_000244.4, NM_130800.3, NM_130801.3 and 3 more transcripts); c.979T>G, p.Tyr327Asp (NM_001370251.2, NM_001370260.2, NM_001370261.2 and 1 more transcripts); c.874T>G, p.Tyr292Asp (NM_001370262.2, NM_001370263.2); short protein forms Y292D, Y327D, Y332D.
Identifiers: ClinVar variation 992236 (VCV000992236.4), dbSNP rs1259383083, ClinGen allele CA381183319.

ClinVar aggregate classification (germline): Conflicting classifications of pathogenicity. Review status: criteria provided, conflicting classifications (1 of 4 stars). 2 submissions from 2 submitters: Pathogenic (1); Uncertain significance (1). Last evaluated 2020-12-30.

Conditions:
Hereditary cancer-predisposing syndrome. Also called: Neoplastic Syndromes, Hereditary; Hereditary neoplastic syndrome; Tumor predisposition; Hereditary Cancer Syndrome. Identifiers: Orphanet 140162, MedGen C0027672, MeSH D009386, MONDO:0015356.

Submissions (2):

Women's Health and Genetics/Laboratory Corporation of America, LabCorp
Classification: Uncertain significance. Last evaluated: 2020-12-30. Review status: criteria provided, single submitter. Criteria: LabCorp Variant Classification Summary - May 2015. Collection method: clinical testing. Allele origin: germline.
Comment: Variant summary: MEN1 c.979T>G (p.Tyr327Asp) results in a non-conservative amino acid change in the encoded protein sequence. Five of five in-silico tools predict a damaging effect of the variant on protein function. The variant was absent in 251474 control chromosomes (gnomAD). The available data on variant occurrences in the general population are insufficient to allow any conclusion about variant significance. To our knowledge, no occurrence of c.979T>G in individuals affected with Multiple Endocrine Neoplasia Type 1 and no experimental evidence demonstrating its impact on protein function have been reported. No clinical diagnostic laboratories have submitted clinical-significance assessments for this variant to ClinVar after 2014. Based on the evidence outlined above, the variant was classified as uncertain significance.

Ambry Genetics
Classification: Pathogenic for Hereditary cancer-predisposing syndrome. Last evaluated: 2019-02-01. Review status: criteria provided, single submitter. Criteria: Ambry Variant Classification Scheme 2023. Collection method: clinical testing. Allele origin: germline.
Comment: The p.Y327D pathogenic mutation (also known as c.979T>G), located in coding exon 6 of the MEN1 gene, results from a T to G substitution at nucleotide position 979. The tyrosine at codon 327 is replaced by aspartic acid, an amino acid with highly dissimilar properties. Based on the supporting evidence, this alteration is interpreted as a disease-causing mutation.